The following is an entry in ClinVar:

ClinVar aggregate classification (germline): Uncertain significance (1 of 4 stars; one submission).

Submission:

Labcorp Genetics (formerly Invitae), Labcorp
Classification: Uncertain significance. Last evaluated: 2024-06-30. Review status: criteria provided, single submitter. Criteria: Invitae Variant Classification Sherloc (09022015). Collection method: clinical testing. Allele origin: germline.
Comment: This sequence change replaces leucine, which is neutral and non-polar, with isoleucine, which is neutral and non-polar, at codon 1752 of the CHD8 protein (p.Leu1752Ile). This variant is not present in population databases (gnomAD no frequency). This variant has not been reported in the literature in individuals affected with CHD8-related conditions. Advanced modeling of protein sequence and biophysical properties (such as structural, functional, and spatial information, amino acid conservation, physicochemical variation, residue mobility, and thermodynamic stability) performed at Invitae indicates that this missense variant is not expected to disrupt CHD8 protein function with a negative predictive value of 80%. In summary, the available evidence is currently insufficient to determine the role of this variant in disease. Therefore, it has been classified as a Variant of Uncertain Significance.

NM_001170629.2(CHD8):c.5254C>A (p.Leu1752Ile)

Gene: CHD8 (chromodomain helicase DNA binding protein 8; minus strand). Cytogenetic location: 14q11.2.
Variant type: single nucleotide variant.
Coding change: c.5254C>A on transcript NM_001170629.2 (MANE Select); coding-DNA position 5254, C replaced by A.
Protein change: p.Leu1752Ile; replaces leucine 1752 with isoleucine.
Molecular consequence: missense variant.
Genome position (GRCh38, 1-based): chr14:21,395,048, G>T on the plus strand (C>A on the coding strand, the complement: CHD8 is on the minus strand). VCF-style: chr14-21395048-G-T. GRCh37 (hg19) VCF-style: chr14-21863207-G-T.
Other names: c.4417C>A, p.Leu1473Ile (NM_020920.4); short protein forms L1473I, L1752I.
Identifiers: ClinVar variation 3658277 (VCV003658277.2).